The following is an entry in ClinVar:

ClinVar aggregate classification (germline): Uncertain significance. Review status: criteria provided, multiple submitters, no conflicts (2 of 4 stars). 3 submissions from 3 submitters: Uncertain significance (3). Last evaluated 2025-06-24.

Conditions:
Hereditary cancer-predisposing syndrome. Also called: Neoplastic Syndromes, Hereditary; Tumor predisposition; Hereditary Cancer Syndrome; Hereditary neoplastic syndrome. Identifiers: Orphanet 140162, MedGen C0027672, MeSH D009386, MONDO:0015356.
Hereditary breast ovarian cancer syndrome. Also called: Hereditary breast and ovarian cancer; Hereditary breast and ovarian cancer syndrome (HBOC); BRCA1- and BRCA2-Associated Hereditary Breast and Ovarian Cancer; Hereditary breast and ovarian cancer syndrome; Hereditary breast and/or ovarian cancer syndrome; Breast and ovarian cancer. Identifiers: Orphanet 145, MedGen C0677776, MeSH D061325, MONDO:0003582. Disease mechanism: loss of function.

Submissions (3):

Ambry Genetics
Classification: Uncertain significance for Hereditary cancer-predisposing syndrome. Last evaluated: 2025-06-24. Review status: criteria provided, single submitter. Criteria: Ambry Variant Classification Scheme 2023. Collection method: clinical testing. Allele origin: germline.
Comment: The p.T3165I variant (also known as c.9494C>T), located in coding exon 24 of the BRCA2 gene, results from a C to T substitution at nucleotide position 9494. The threonine at codon 3165 is replaced by isoleucine, an amino acid with similar properties. This amino acid position is conserved. In addition, the in silico prediction for this alteration is inconclusive. Based on the available evidence, the clinical significance of this variant remains unclear.

Labcorp Genetics (formerly Invitae), Labcorp
Classification: Uncertain significance for Hereditary breast ovarian cancer syndrome. Last evaluated: 2024-11-20. Review status: criteria provided, single submitter. Criteria: Invitae Variant Classification Sherloc (09022015). Collection method: clinical testing. Allele origin: germline.
Comment: This sequence change replaces threonine, which is neutral and polar, with isoleucine, which is neutral and non-polar, at codon 3165 of the BRCA2 protein (p.Thr3165Ile). This variant is not present in population databases (gnomAD no frequency). This variant has not been reported in the literature in individuals affected with BRCA2-related conditions. ClinVar contains an entry for this variant (Variation ID: 640723). Invitae Evidence Modeling of protein sequence and biophysical properties (such as structural, functional, and spatial information, amino acid conservation, physicochemical variation, residue mobility, and thermodynamic stability) indicates that this missense variant is not expected to disrupt BRCA2 protein function with a negative predictive value of 95%. In summary, the available evidence is currently insufficient to determine the role of this variant in disease. Therefore, it has been classified as a Variant of Uncertain Significance.

Color Diagnostics, LLC DBA Color Health
Classification: Uncertain significance for Hereditary cancer-predisposing syndrome. Last evaluated: 2019-04-17. Review status: criteria provided, single submitter. Criteria: ACMG Guidelines, 2015. Collection method: clinical testing. Allele origin: germline.

NM_000059.4(BRCA2):c.9494C>T (p.Thr3165Ile)

Gene: BRCA2 (BRCA2 DNA repair associated; plus strand). Cytogenetic location: 13q13.1.
Variant type: single nucleotide variant.
Coding change: c.9494C>T on transcript NM_000059.4 (MANE Select); coding-DNA position 9494, C replaced by T.
Protein change: p.Thr3165Ile; replaces threonine 3165 with isoleucine.
Molecular consequence: missense variant.
Genome position (GRCh38, 1-based): chr13:32,394,926, C>T. VCF-style: chr13-32394926-C-T. GRCh37 (hg19) VCF-style: chr13-32969063-C-T.
Other names: short protein forms T3165I.
Identifiers: ClinVar variation 640723 (VCV000640723.12), dbSNP rs1064796569, ClinGen allele CA387761880.